The following is an entry in ClinVar:

ClinVar aggregate classification (germline): Uncertain significance (1 of 4 stars; one submission).

Conditions:
Hereditary cancer-predisposing syndrome. Also called: Neoplastic Syndromes, Hereditary; Tumor predisposition; Hereditary Cancer Syndrome; Hereditary neoplastic syndrome. Identifiers: Orphanet 140162, MedGen C0027672, MeSH D009386, MONDO:0015356.

Submission:

Ambry Genetics
Classification: Uncertain significance for Hereditary cancer-predisposing syndrome. Last evaluated: 2025-08-03. Review status: criteria provided, single submitter. Criteria: Ambry Variant Classification Scheme 2023. Collection method: clinical testing. Allele origin: germline.
Comment: The p.L782P variant (also known as c.2345T>C), located in coding exon 16 of the TSC1 gene, results from a T to C substitution at nucleotide position 2345. The leucine at codon 782 is replaced by proline, an amino acid with similar properties. This amino acid position is conserved. In addition, this alteration is predicted to be deleterious by in silico analysis. Based on the available evidence, the clinical significance of this variant remains unclear.

NM_000368.5(TSC1):c.2345T>C (p.Leu782Pro)

Gene: TSC1 (TSC complex subunit 1; minus strand). Cytogenetic location: 9q34.13.
Variant type: single nucleotide variant.
Coding change: c.2345T>C on transcript NM_000368.5 (MANE Select); coding-DNA position 2345, T replaced by C.
Protein change: p.Leu782Pro; replaces leucine 782 with proline.
Molecular consequence: missense variant. On other transcripts: non-coding transcript variant (5).
Genome position (GRCh38, 1-based): chr9:132,902,651, A>G on the plus strand (T>C on the coding strand, the complement: TSC1 is on the minus strand). VCF-style: chr9-132902651-A-G. GRCh37 (hg19) VCF-style: chr9-135778038-A-G.
Other names: c.2345T>C, p.Leu782Pro (NM_001406593.1, NM_001406594.1, NM_001406592.1 and 5 more transcripts); c.2342T>C, p.Leu781Pro (NM_001162426.2, NM_001406599.1, NM_001406600.1 and 4 more transcripts); c.2192T>C, p.Leu731Pro (NM_001162427.2, NM_001406610.1); c.1982T>C, p.Leu661Pro (NM_001362177.2, NM_001406614.1, NM_001406615.1 and 5 more transcripts); c.2330T>C, p.Leu777Pro (NM_001406601.1, NM_001406602.1); c.2327T>C, p.Leu776Pro (NM_001406603.1, NM_001406604.1); c.2189T>C, p.Leu730Pro (NM_001406611.1, NM_001406612.1, NM_001406613.1); c.1292T>C, p.Leu431Pro (NM_001406629.1, NM_001406630.1); and 3 more; short protein forms L777P, L781P, L782P, L431P, L465P, L660P, L731P, L464P.
Identifiers: ClinVar variation 4192089 (VCV004192089.1).